The following is an entry in ClinVar:

NM_002755.4(MAP2K1):c.1030A>C (p.Lys344Gln)

Gene: MAP2K1 (mitogen-activated protein kinase kinase 1; plus strand). Cytogenetic location: 15q22.31.
Variant type: single nucleotide variant.
Coding change: c.1030A>C on transcript NM_002755.4 (MANE Select); coding-DNA position 1030, A replaced by C.
Protein change: p.Lys344Gln; replaces lysine 344 with glutamine.
Molecular consequence: missense variant.
Genome position (GRCh38, 1-based): chr15:66,489,725, A>C. VCF-style: chr15-66489725-A-C. GRCh37 (hg19) VCF-style: chr15-66782063-A-C.
Other names: c.886A>C, p.Lys296Gln (NM_001411065.1); short protein forms K344Q, K296Q.
Identifiers: ClinVar variation 2198544 (VCV002198544.5), dbSNP rs1595888741, ClinGen allele CA392938481.
Genomic context (GRCh38, chr15:66,489,725, plus strand): 5'-GAGCTAGAACCAGTGCCAGGCAACAGCTCTTACCTTGTCTTTCTTCCTTTAAGCTTAATA[A>C]AAAACCCCGCAGAGAGAGCAGATTTGAAGCAACTCATGGTGAGTCTATTTATTCCGGATT-3'
Protein context (NP_002746.1, residues 334-354): FQDFVNKCLI[Lys344Gln]NPAERADLKQ

ClinVar aggregate classification (germline): Uncertain significance. Review status: criteria provided, multiple submitters, no conflicts (2 of 4 stars). 2 submissions from 2 submitters: Uncertain significance (2). Last evaluated 2023-12-29.

Conditions:
Cardiofaciocutaneous syndrome 3 (CFC3). Also called: MAP2K1-Related Cardiofaciocutaneous Syndrome. Identifiers: Orphanet 1340, MedGen C3809006, MONDO:0014113, OMIM 615279.
Melorheostosis (MEL). Also called: MELORHEOSTOSIS, ISOLATED. Identifiers: Orphanet 2485, MedGen C3149631, MONDO:0007970, OMIM 155950, HP:6000817.
RASopathy. Also called: Noonan spectrum disorder; rasopathies. Identifiers: Orphanet 536391, MedGen C5555857, MONDO:0021060.

Submissions (2):

Fulgent Genetics
Classification: Uncertain significance for Melorheostosis; Cardiofaciocutaneous syndrome 3. Last evaluated: 2023-12-29. Review status: criteria provided, single submitter. Criteria: ACMG Guidelines, 2015. Collection method: clinical testing. Allele origin: germline.

Labcorp Genetics (formerly Invitae), Labcorp
Classification: Uncertain significance for RASopathy. Last evaluated: 2023-09-08. Review status: criteria provided, single submitter. Criteria: Invitae Variant Classification Sherloc (09022015). Collection method: clinical testing. Allele origin: germline.
Comment: This sequence change replaces lysine, which is basic and polar, with glutamine, which is neutral and polar, at codon 344 of the MAP2K1 protein (p.Lys344Gln). This variant is not present in population databases (gnomAD no frequency). This variant has not been reported in the literature in individuals affected with MAP2K1-related conditions. ClinVar contains an entry for this variant (Variation ID: 2198544). Advanced modeling of protein sequence and biophysical properties (such as structural, functional, and spatial information, amino acid conservation, physicochemical variation, residue mobility, and thermodynamic stability) performed at Invitae indicates that this missense variant is expected to disrupt MAP2K1 protein function. In summary, the available evidence is currently insufficient to determine the role of this variant in disease. Therefore, it has been classified as a Variant of Uncertain Significance.